The following is an entry in ClinVar:

ClinVar aggregate classification (germline): Conflicting classifications of pathogenicity. Review status: criteria provided, conflicting classifications (1 of 4 stars). 11 submissions from 11 submitters: Uncertain significance (4); Likely benign (4). 3 of the submissions do not count toward it. Last evaluated 2026-03-18.

Conditions:
Hereditary cancer-predisposing syndrome. Also called: Hereditary neoplastic syndrome; Neoplastic Syndromes, Hereditary; Hereditary Cancer Syndrome; Tumor predisposition. Identifiers: Orphanet 140162, MedGen C0027672, MeSH D009386, MONDO:0015356.
Hereditary breast ovarian cancer syndrome. Also called: Hereditary breast and ovarian cancer syndrome (HBOC); Breast and ovarian cancer; Hereditary breast and ovarian cancer syndrome; BRCA1- and BRCA2-Associated Hereditary Breast and Ovarian Cancer; Hereditary breast and/or ovarian cancer syndrome; Hereditary breast and ovarian cancer. Identifiers: Orphanet 145, MedGen C0677776, MeSH D061325, MONDO:0003582. Disease mechanism: loss of function.
Breast-ovarian cancer, familial, susceptibility to, 2 (BROVCA2). Also called: BRCA2 Hereditary Breast and Ovarian Cancer. Identifiers: Orphanet 145, MedGen C2675520, MONDO:0012933, OMIM 612555. Disease mechanism: loss of function.
Familial cancer of breast. Also called: BREAST CANCER, FAMILIAL; hereditary breast carcinoma; Hereditary breast cancer. Identifiers: Orphanet 227535, MedGen C0346153, MONDO:0016419, OMIM 114480. Disease mechanism: loss of function.

Allele frequency attached by ClinVar (database versions not stated): gnomAD exomes below 0.00001; gnomAD 0.00001; TOPMed 0.00001.
gnomAD v4.1: 4 of 1,582,670 alleles (0.00025%); highest among the groups gnomAD compares: Non-Finnish European, 0.00017%; no homozygotes.

Submissions (11):

Women's Health and Genetics/Laboratory Corporation of America, LabCorp
Classification: Uncertain significance. Last evaluated: 2026-03-18. Review status: criteria provided, single submitter. Criteria: LabCorp Variant Classification Summary - May 2015. Collection method: clinical testing. Allele origin: germline.
Comment: Variant summary: BRCA2 c.6892G>A (p.Glu2298Lys) results in a conservative amino acid change in the encoded protein sequence. Algorithms developed to predict the effect of missense changes on protein structure and function all suggest that this variant is likely to be tolerated. The variant was absent in 249910 control chromosomes. The available data on variant occurrences in the general population are insufficient to allow any conclusion about variant significance. c.6892G>A has been observed in at least one individual from a family affected with breast and/or ovarian cancer (Cherbal_2012). This report does not provide unequivocal conclusions about association of the variant with Hereditary Breast And Ovarian Cancer Syndrome. At least one co-occurrence with a pathogenic variant has been reported in the BIC database (BRCA1 c.5035_5039delCTAAT, p.Leu1679TyrfsX2), providing supporting evidence for a benign role. To our knowledge, no experimental evidence demonstrating an impact on protein function has been reported. The following publication has been ascertained in the context of this evaluation (PMID: 22684231). ClinVar contains an entry for this variant (Variation ID: 52217). Based on the evidence outlined above, the variant was classified as uncertain significance.

Ambry Genetics
Classification: Uncertain significance for Hereditary cancer-predisposing syndrome. Last evaluated: 2025-06-20. Review status: criteria provided, single submitter. Criteria: Ambry Variant Classification Scheme 2023. Collection method: clinical testing. Allele origin: germline.
Comment: The p.E2298K variant (also known as c.6892G>A), located in coding exon 11 of the BRCA2 gene, results from a G to A substitution at nucleotide position 6892. The glutamic acid at codon 2298 is replaced by lysine, an amino acid with similar properties. This alteration was previously reported as a variant of uncertain significance in a cohort of Algerian breast/ovarian cancer families (Cherbal F et al. Dis. Markers 2012;32(6):343-53). This amino acid position is not well conserved in available vertebrate species. In addition, the in silico prediction for this alteration is inconclusive. Since supporting evidence is limited at this time, the clinical significance of this alteration remains unclear.

Labcorp Genetics (formerly Invitae), Labcorp
Classification: Likely benign for Hereditary breast ovarian cancer syndrome. Last evaluated: 2025-04-11. Review status: criteria provided, single submitter. Criteria: Invitae Variant Classification Sherloc (09022015). Collection method: clinical testing. Allele origin: germline.

Baylor Genetics
Classification: Uncertain significance for Familial cancer of breast. Last evaluated: 2024-03-22. Review status: criteria provided, single submitter. Criteria: ACMG Guidelines, 2015. Collection method: clinical testing. Allele origin: unknown.

Quest Diagnostics Nichols Institute San Juan Capistrano
Classification: Uncertain significance. Last evaluated: 2024-03-08. Review status: criteria provided, single submitter. Criteria: Quest Diagnostics criteria. Collection method: clinical testing. Allele origin: unknown.

All of Us Research Program, National Institutes of Health
Classification: Likely benign for Breast-ovarian cancer, familial, susceptibility to, 2. Last evaluated: 2023-08-15. Review status: criteria provided, single submitter. Criteria: ACMG Guidelines, 2015. Collection method: clinical testing. Allele origin: germline. Inheritance: Autosomal dominant inheritance. Observed: 2 variant alleles, 2 heterozygotes.
Comment: This study involves interpretation of variants in research participants for the purpose of population health screening. Participant phenotype was not available at the time of variant classification. Additional details can be found in publication PMID: 35346344, PMCID: PMC8962531

GeneDx
Classification: Likely benign. Last evaluated: 2020-03-07. Review status: criteria provided, single submitter. Criteria: GeneDx Variant Classification Process June 2021. Collection method: clinical testing. Allele origin: germline. Affected: yes.
Comment: This variant is associated with the following publications: (PMID: 10923033, 22684231, 32046981)

Color Diagnostics, LLC DBA Color Health
Classification: Likely benign for Hereditary cancer-predisposing syndrome. Last evaluated: 2015-06-08. Review status: criteria provided, single submitter. Criteria: ACMG Guidelines, 2015. Collection method: clinical testing. Allele origin: germline.

Counsyl
Classification: Uncertain significance for Breast-ovarian cancer, familial, susceptibility to, 2. Last evaluated: 2016-04-01. Review status: no assertion criteria provided. Collection method: clinical testing. Allele origin: unknown. Not counted in ClinVar's aggregate classification.

Sharing Clinical Reports Project (SCRP)
Classification: Benign for Breast-ovarian cancer, familial 2. Last evaluated: 2012-05-01. Review status: no assertion criteria provided. Collection method: clinical testing. Allele origin: germline. Not counted in ClinVar's aggregate classification.

Breast Cancer Information Core (BIC) (BRCA2)
Classification: Uncertain significance for Breast-ovarian cancer, familial 2. Last evaluated: 2002-06-20. Review status: no assertion criteria provided. Collection method: clinical testing. Allele origin: germline. Affected: yes. Observed: 2 variant alleles. Not counted in ClinVar's aggregate classification.

Literature cited by the submitters: PubMed 22684231 (cited by 4 submitters).

NM_000059.4(BRCA2):c.6892G>A (p.Glu2298Lys)

Gene: BRCA2 (BRCA2 DNA repair associated; plus strand). Cytogenetic location: 13q13.1.
Variant type: single nucleotide variant.
Coding change: c.6892G>A on transcript NM_000059.4 (MANE Select); coding-DNA position 6892, G replaced by A.
Protein change: p.Glu2298Lys; replaces glutamic acid 2298 with lysine.
Molecular consequence: missense variant.
Genome position (GRCh38, 1-based): chr13:32,344,608, G>A. VCF-style: chr13-32344608-G-A. GRCh37 (hg19) VCF-style: chr13-32918745-G-A.
Other names: 7120G>A; short protein forms E2298K.
Identifiers: ClinVar variation 52217 (VCV000052217.31), dbSNP rs80358914, ClinGen allele CA024544.